The following is an entry in ClinVar:

NM_006267.5(RANBP2):c.1966A>G (p.Ile656Val)

Gene: RANBP2 (RAN binding protein 2; plus strand). Cytogenetic location: 2q13.
Variant type: single nucleotide variant.
Coding change: c.1966A>G on transcript NM_006267.5 (MANE Select); coding-DNA position 1966, A replaced by G.
Protein change: p.Ile656Val; replaces isoleucine 656 with valine.
Molecular consequence: missense variant.
Genome position (GRCh38, 1-based): chr2:108,753,474, A>G. VCF-style: chr2-108753474-A-G. GRCh37 (hg19) VCF-style: chr2-109369930-A-G.
Other names: short protein forms I656V.
Identifiers: ClinVar variation 8365 (VCV000008365.15), dbSNP rs121434504, ClinGen allele CA340775.

ClinVar aggregate classification (germline): Conflicting classifications of pathogenicity. Review status: criteria provided, conflicting classifications (1 of 4 stars). 7 submissions from 7 submitters: Pathogenic (1); Likely pathogenic (2); Uncertain significance (2). 2 of the submissions do not count toward it. Last evaluated 2024-10-31.

Conditions:
Familial acute necrotizing encephalopathy (IIAE3). Also called: ENCEPHALOPATHY, ACUTE, INFECTION-INDUCED, SUSCEPTIBILITY TO, 3; Susceptibility to Acute Necrotizing Encephalopathy 1. Identifiers: Orphanet 88619, MedGen C2675556, MONDO:0011953, OMIM 608033.

Allele frequency attached by ClinVar (database versions not stated): gnomAD exomes below 0.00001.
gnomAD v4.1: 1 of 1,611,934 alleles (0.000062%); highest among the groups gnomAD compares: Non-Finnish European, 0.000085%; no homozygotes.

Submissions (7):

GeneDx
Classification: Uncertain significance. Last evaluated: 2024-10-31. Review status: criteria provided, single submitter. Criteria: GeneDx Variant Classification Process June 2021. Collection method: clinical testing. Allele origin: germline. Affected: yes.
Comment: Identified in patients with acute necrotizing encephalopathy in published literature (PMID: 19118815, 22030434, 37093442); Not observed at significant frequency in large population cohorts (gnomAD); In silico analysis indicates that this missense variant does not alter protein structure/function; This variant is associated with the following publications: (PMID: 37093442, 32493103, 22030434, 33726816, Werner[2022]abstract, 35408907, 36029610, 36572756, 33600493, 19118815, 35679405)

Baylor Genetics
Classification: Likely pathogenic for Familial acute necrotizing encephalopathy. Last evaluated: 2024-03-15. Review status: criteria provided, single submitter. Criteria: ACMG Guidelines, 2015. Collection method: clinical testing. Allele origin: unknown.

Labcorp Genetics (formerly Invitae), Labcorp
Classification: Uncertain significance for Familial acute necrotizing encephalopathy. Last evaluated: 2023-09-30. Review status: criteria provided, single submitter. Criteria: Invitae Variant Classification Sherloc (09022015). Collection method: clinical testing. Allele origin: germline.
Comment: This sequence change replaces isoleucine, which is neutral and non-polar, with valine, which is neutral and non-polar, at codon 656 of the RANBP2 protein (p.Ile656Val). This variant is not present in population databases (gnomAD no frequency). This missense change has been observed in individuals with acute necrotizing encephalopathy (PMID: 19118815, 22030434). This variant is also known as c.2094A>G, g.33868A>G. ClinVar contains an entry for this variant (Variation ID: 8365). Algorithms developed to predict the effect of missense changes on protein structure and function output the following: SIFT: "Not Available"; PolyPhen-2: "Benign"; Align-GVGD: "Not Available". The valine amino acid residue is found in multiple mammalian species, which suggests that this missense change does not adversely affect protein function. In summary, the available evidence is currently insufficient to determine the role of this variant in disease. Therefore, it has been classified as a Variant of Uncertain Significance.

Mendelics
Classification: Pathogenic for Familial acute necrotizing encephalopathy. Last evaluated: 2019-05-28. Review status: criteria provided, single submitter. Criteria: Mendelics Assertion Criteria 2017. Collection method: clinical testing. Allele origin: unknown.

Neuberg Centre For Genomic Medicine, NCGM
Classification: Likely pathogenic for Familial acute necrotizing encephalopathy. Review status: criteria provided, single submitter. Criteria: ACMG Guidelines, 2015. Collection method: clinical testing. Allele origin: germline. Inheritance: Autosomal dominant inheritance. Affected: yes.
Comment: This missense change has been observed in individuals with acute necrotizing encephalopathy (Stranneheim H, et al. 2021; Neilson DE, et al. 2009). This variant is also known as c.2094A>G, g.33868A>G. The clinical findings of 2 siblings diagnosed with Familial acute necrotizing encephalopathy (ANE) - this variant observed as homozygous in the index case and in the parents as heterozygous (Ayaz A, et al. 2022).

OMIM
Classification: risk factor for ENCEPHALOPATHY, ACUTE, INFECTION-INDUCED, SUSCEPTIBILITY TO, 3. Last evaluated: 2009-01-01. Review status: no assertion criteria provided. Collection method: literature only. Allele origin: germline. Not counted in ClinVar's aggregate classification.

GeneReviews
No classification provided. Condition: Familial acute necrotizing encephalopathy. Review status: no classification provided. Collection method: literature only. Allele origin: germline. Affected: yes. Not counted in ClinVar's aggregate classification.

Literature cited by the submitters: PubMed 19118815 (cited by Labcorp Genetics (formerly Invitae), Labcorp and OMIM); PubMed 22030434 (cited by Labcorp Genetics (formerly Invitae), Labcorp); NCBI Bookshelf NBK258641 (cited by GeneReviews).